The following is an entry in ClinVar:

ClinVar aggregate classification (germline): Uncertain significance (1 of 4 stars; one submission).

Conditions:
Hereditary cancer-predisposing syndrome. Also called: Neoplastic Syndromes, Hereditary; Tumor predisposition; Hereditary Cancer Syndrome; Hereditary neoplastic syndrome. Identifiers: Orphanet 140162, MedGen C0027672, MeSH D009386, MONDO:0015356.

Submission:

Ambry Genetics
Classification: Uncertain significance for Hereditary cancer-predisposing syndrome. Last evaluated: 2024-11-25. Review status: criteria provided, single submitter. Criteria: Ambry Variant Classification Scheme 2023. Collection method: clinical testing. Allele origin: germline.
Comment: The p.N361D variant (also known as c.1081A>G), located in coding exon 11 of the RB1 gene, results from an A to G substitution at nucleotide position 1081. The asparagine at codon 361 is replaced by aspartic acid, an amino acid with highly similar properties. This amino acid position is conserved. In addition, this alteration is predicted to be tolerated by in silico analysis. Based on the available evidence, the clinical significance of this variant remains unclear.

NM_000321.3(RB1):c.1081A>G (p.Asn361Asp)

Gene: RB1 (RB transcriptional corepressor 1; plus strand). Cytogenetic location: 13q14.2.
Variant type: single nucleotide variant.
Coding change: c.1081A>G on transcript NM_000321.3 (MANE Select); coding-DNA position 1081, A replaced by G.
Protein change: p.Asn361Asp; replaces asparagine 361 with aspartic acid.
Molecular consequence: missense variant.
Genome position (GRCh38, 1-based): chr13:48,368,558, A>G. VCF-style: chr13-48368558-A-G. GRCh37 (hg19) VCF-style: chr13-48942694-A-G.
Other names: c.1081A>G, p.Asn361Asp (NM_001407165.1, NM_001407166.1); short protein forms N361D.
Identifiers: ClinVar variation 3430849 (VCV003430849.1).